The following is an entry in ClinVar:

ClinVar aggregate classification (germline): Likely benign (0 of 4 stars; one submission).

Conditions:
PLXNA4-related disorder. Also called: PLXNA4-related condition.

gnomAD v4.1: 412 of 1,613,614 alleles (0.026%); highest among the groups gnomAD compares: Non-Finnish European, 0.0042%; 3 homozygotes.

Submission:

PreventionGenetics, part of Exact Sciences
Classification: Likely benign for PLXNA4-related condition. Last evaluated: 2024-08-23. Review status: no assertion criteria provided. Collection method: clinical testing. Allele origin: germline.
Comment: This variant is classified as likely benign based on ACMG/AMP sequence variant interpretation guidelines (Richards et al. 2015 PMID: 25741868, with internal and published modifications).

NM_020911.2(PLXNA4):c.2754G>C (p.Met918Ile)

Gene: PLXNA4 (plexin A4; minus strand). Cytogenetic location: 7q32.3.
Variant type: single nucleotide variant.
Coding change: c.2754G>C on transcript NM_020911.2 (MANE Select); coding-DNA position 2754, G replaced by C.
Protein change: p.Met918Ile; replaces methionine 918 with isoleucine.
Molecular consequence: missense variant.
Genome position (GRCh38, 1-based): chr7:132,194,164, C>G on the plus strand (G>C on the coding strand, the complement: PLXNA4 is on the minus strand). VCF-style: chr7-132194164-C-G. GRCh37 (hg19) VCF-style: chr7-131878923-C-G.
Other names: c.2754G>C, p.Met918Ile (NM_001393897.1); short protein forms M918I.
Identifiers: ClinVar variation 3352289 (VCV003352289.1).